The following is an entry in ClinVar:

ClinVar aggregate classification (germline): Likely benign. Review status: criteria provided, multiple submitters, no conflicts (2 of 4 stars). 4 submissions from 4 submitters: Likely benign (3). 1 of the submissions does not count toward it. Last evaluated 2026-01-28.

Conditions:
Mucopolysaccharidosis, MPS-III-A (MPS3A). Also called: MUCOPOLYSACCHARIDOSIS, TYPE IIIA, ATTENUATED; HEPARAN SULFATE SULFATASE DEFICIENCY; SANFILIPPO SYNDROME A; SULFAMIDASE DEFICIENCY; Mucopolysaccharidosis, type IIIA; MPS III A. Identifiers: Orphanet 581, Orphanet 79269, MedGen C0086647, MONDO:0009655, OMIM 252900.
SGSH-related disorder. Also called: SGSH-related condition.

Allele frequency attached by ClinVar (database versions not stated): gnomAD exomes 0.00009; 1000 Genomes Project 30x 0.00031; 1000 Genomes Project 0.00040; gnomAD 0.00019 and 0.00021; ESP Exome Variant Server 0.00023; ExAC 0.00008; TOPMed 0.00015.
gnomAD v4.1: 559 of 1,613,280 alleles (0.035%); highest among the groups gnomAD compares: Non-Finnish European, 0.043%; no homozygotes.

Submissions (4):

Labcorp Genetics (formerly Invitae), Labcorp
Classification: Likely benign for Mucopolysaccharidosis, MPS-III-A. Last evaluated: 2026-01-28. Review status: criteria provided, single submitter. Criteria: Invitae Variant Classification Sherloc (09022015). Collection method: clinical testing. Allele origin: germline.

PreventionGenetics, part of Exact Sciences
Classification: Likely benign for SGSH-related condition. Last evaluated: 2025-04-18. Review status: criteria provided, single submitter. Criteria: ACMG Guidelines, 2015. Collection method: clinical testing. Allele origin: germline.
Comment: This variant is classified as likely benign based on ACMG/AMP sequence variant interpretation guidelines (Richards et al. 2015 PMID: 25741868, with internal and published modifications).

Blueprint Genetics
Classification: Likely benign. Last evaluated: 2023-12-08. Review status: criteria provided, single submitter. Criteria: ACMG Guidelines, 2015. Collection method: clinical testing. Allele origin: germline.

Natera, Inc.
Classification: Uncertain significance for Mucopolysaccharidosis type IIIA. Last evaluated: 2020-01-24. Review status: no assertion criteria provided. Collection method: clinical testing. Allele origin: germline. Not counted in ClinVar's aggregate classification.

NM_000199.5(SGSH):c.570C>T (p.Tyr190=)

Gene: SGSH (N-sulfoglucosamine sulfohydrolase; minus strand). Cytogenetic location: 17q25.3.
Variant type: single nucleotide variant.
Coding change: c.570C>T on transcript NM_000199.5 (MANE Select); coding-DNA position 570, C replaced by T.
Protein change: p.Tyr190=; no amino-acid change (tyrosine 190 retained).
Molecular consequence: synonymous variant. On other transcripts: non-coding transcript variant (1).
Genome position (GRCh38, 1-based): chr17:80,214,265, G>A on the plus strand (C>T on the coding strand, the complement: SGSH is on the minus strand). VCF-style: chr17-80214265-G-A. GRCh37 (hg19) VCF-style: chr17-78188064-G-A.
Other names: c.570C>T, p.Tyr190= (NM_001352921.3, NM_001352922.2).
Identifiers: ClinVar variation 716371 (VCV000716371.14), dbSNP rs149951602, ClinGen allele CA8817943.